The following is an entry in ClinVar:

ClinVar aggregate classification (germline): Likely benign (1 of 4 stars; one submission).

Conditions:
Rhabdoid tumor predisposition syndrome 2 (RTPS2). Identifiers: Orphanet 231108, Orphanet 69077, MedGen C2750074, MONDO:0013224, OMIM 613325.

Submission:

Myriad Genetics, Inc.
Classification: Likely benign for Rhabdoid tumor predisposition syndrome 2. Last evaluated: 2026-07-07. Review status: criteria provided, single submitter. Criteria: Myriad Autosomal Dominant, Autosomal Recessive and X-Linked Classification Criteria (2023). Collection method: clinical testing. Allele origin: unknown.
Comment: This variant is considered likely benign. This variant is intronic and is not expected to impact mRNA splicing.

NM_003072.5(SMARCA4):c.2616+10C>T

Gene: SMARCA4 (SWI/SNF related BAF chromatin remodeling complex subunit ATPase 4; plus strand). Cytogenetic location: 19p13.2.
Variant type: single nucleotide variant.
Coding change: c.2616+10C>T on transcript NM_003072.5 (MANE Select); 10 bases into the intron after coding-DNA position 2616, C replaced by T.
Molecular consequence: intron variant.
Genome position (GRCh38, 1-based): chr19:11,019,711, C>T. VCF-style: chr19-11019711-C-T. GRCh37 (hg19) VCF-style: chr19-11130387-C-T.
Other names: c.2616+10C>T (NM_001128844.3, NM_001128849.3, NM_001128847.4 and 6 more transcripts).
Identifiers: ClinVar variation 5042074 (VCV005042074.1).
Genomic context (GRCh38, chr19:11,019,711, plus strand): 5'-TTGCTGACGACGTACGAGTACATCATCAAAGACAAGCACATCCTCGCCAAGGTAACGTGT[C>T]CCTGTGGGAAATGCCAGGCCATGGGCCGAGTGCTCACACGTGGGTCACGCTGCCCGTCTC-3'